The following is an entry in ClinVar:

NM_033056.4(PCDH15):c.4599_4602dup (p.Gln1535fs)

Gene: PCDH15 (protocadherin related 15; minus strand). Cytogenetic location: 10q21.1.
Variant type: Duplication.
Coding change: c.4599_4602dup on transcript NM_033056.4 (MANE Plus Clinical); coding-DNA positions 4599 to 4602, 4 bases duplicated (AAGT; older notation c.4599_4602dupAAGT).
Protein change: p.Gln1535fs; shifts the reading frame from glutamine 1535.
Molecular consequence: frameshift variant. On other transcripts: intron variant (8).
Genome position (GRCh38, 1-based): chr10:53,823,124-53,823,127, ACTT duplicated on the plus strand (AAGT on the coding strand, the reverse complement: PCDH15 is on the minus strand); duplicating any 4 consecutive bases within chr10:53,823,124-53,823,128 gives the same sequence; the c. name uses the placement nearest the transcript's 3' end. VCF-style (leftmost placement, unchanged base first): chr10-53823123-G-GACTT. GRCh37 (hg19) VCF-style: chr10-55582883-G-GACTT.
Other names: p.Gln1535LysfsX28; c.4620_4623dup, p.Gln1542fs (NM_001142763.2); c.4605_4608dup, p.Gln1537fs (NM_001142764.2); c.4392_4395dup, p.Gln1466fs (NM_001142765.2); c.4590_4593dup, p.Gln1532fs (NM_001142766.2); c.4479_4482dup, p.Gln1495fs (NM_001142767.2); c.4539_4542dup, p.Gln1515fs (NM_001142768.2); c.4530_4533dup, p.Gln1512fs (NM_001142773.2); and 7 more; short protein forms Q1515fs, Q1537fs, Q1532fs, Q1535fs, Q1466fs, Q1495fs, Q1512fs, Q1513fs.
Identifiers: ClinVar variation 229138 (VCV000229138.9), dbSNP rs781231890, ClinGen allele CA5505240.

ClinVar aggregate classification (germline): Conflicting classifications of pathogenicity. Review status: criteria provided, conflicting classifications (1 of 4 stars). 2 submissions from 2 submitters: Pathogenic (1); Uncertain significance (1). Last evaluated 2024-02-05.

Submissions (2):

Labcorp Genetics (formerly Invitae), Labcorp
Classification: Pathogenic. Last evaluated: 2024-02-05. Review status: criteria provided, single submitter. Criteria: Invitae Variant Classification Sherloc (09022015). Collection method: clinical testing. Allele origin: germline.
Comment: This sequence change creates a premature translational stop signal (p.Gln1535Lysfs*28) in the PCDH15 gene. While this is not anticipated to result in nonsense mediated decay, it is expected to disrupt the last 421 amino acid(s) of the PCDH15 protein. This variant is present in population databases (rs781231890, gnomAD 0.005%). This variant has not been reported in the literature in individuals affected with PCDH15-related conditions. ClinVar contains an entry for this variant (Variation ID: 229138). Algorithms developed to predict the effect of sequence changes on RNA splicing suggest that this variant may create or strengthen a splice site. This variant disrupts a region of the PCDH15 protein in which other variant(s) (p.Val1578Alafs*6) have been determined to be pathogenic (PMID: 33089500; Invitae). This suggests that this is a clinically significant region of the protein, and that variants that disrupt it are likely to be disease-causing. For these reasons, this variant has been classified as Pathogenic.

Laboratory for Molecular Medicine, Mass General Brigham Personalized Medicine
Classification: Uncertain significance. Last evaluated: 2015-11-16. Review status: criteria provided, single submitter. Criteria: LMM Criteria. Collection method: clinical testing. Allele origin: germline. Observed: 1 variant allele.
Comment: The p.Gln1535fs variant in PCDH15 has not been previously reported in individual s with hearing loss, but has been identified in 2/8654 East Asian chromosomes by the Exome Aggregation Consortium (ExAC; dbSNP r s781231890). This variant is predicted to cause a frameshift, which alters the p rotein?s amino acid sequence beginning at position 1535 and leads to a premature termination codon 28 amino acids downstream. This termination codon occurs with in the last exon and is more likely to escape nonsense mediated decay (NMD) and result in a truncated protein. In addition, a different frameshift variant in t his exon has been reported at high frequency in African Americans and is not con sidered to be clinically significant, indicating that truncating variants in thi s region may not be clinically significant (Perrault-Micale 2014). In summary, the clinical significance of the p.Gln1535fs variant is uncertain.

Literature cited by the submitters: PubMed 33089500 (cited by Labcorp Genetics (formerly Invitae), Labcorp); PubMed 25307757 (cited by Laboratory for Molecular Medicine, Mass General Brigham Personalized Medicine).